The following is an entry in ClinVar:

NM_006086.4(TUBB3):c.833G>A (p.Ser278Asn)

Gene: TUBB3 (tubulin beta 3 class III; plus strand). Cytogenetic location: 16q24.3.
Variant type: single nucleotide variant.
Coding change: c.833G>A on transcript NM_006086.4 (MANE Select); coding-DNA position 833, G replaced by A.
Protein change: p.Ser278Asn; replaces serine 278 with asparagine.
Molecular consequence: missense variant.
Genome position (GRCh38, 1-based): chr16:89,935,284, G>A. VCF-style: chr16-89935284-G-A. GRCh37 (hg19) VCF-style: chr16-90001692-G-A.
Other names: c.617G>A, p.Ser206Asn (NM_001197181.2); short protein forms S206N, S278N.
Identifiers: ClinVar variation 2014680 (VCV002014680.4), dbSNP rs2544627768, ClinGen allele CA397475492.

ClinVar aggregate classification (germline): Uncertain significance (1 of 4 stars; one submission).

Allele frequency attached by ClinVar (database versions not stated): gnomAD exomes below 0.00001.
gnomAD v4.1: 1 of 1,613,728 alleles (0.000062%); highest among the groups gnomAD compares: Non-Finnish European, 0.000085%; no homozygotes.

Submission:

Labcorp Genetics (formerly Invitae), Labcorp
Classification: Uncertain significance. Last evaluated: 2022-07-06. Review status: criteria provided, single submitter. Criteria: Invitae Variant Classification Sherloc (09022015). Collection method: clinical testing. Allele origin: germline.
Comment: This sequence change replaces serine, which is neutral and polar, with asparagine, which is neutral and polar, at codon 278 of the TUBB3 protein (p.Ser278Asn). This variant is not present in population databases (gnomAD no frequency). In summary, the available evidence is currently insufficient to determine the role of this variant in disease. Therefore, it has been classified as a Variant of Uncertain Significance. Algorithms developed to predict the effect of missense changes on protein structure and function are either unavailable or do not agree on the potential impact of this missense change (SIFT: "Deleterious"; PolyPhen-2: "Benign"; Align-GVGD: "Class C0"). This variant has not been reported in the literature in individuals affected with TUBB3-related conditions.